The following is an entry in ClinVar:

NM_004380.3(CREBBP):c.3925G>A (p.Asp1309Asn)

Gene: CREBBP (CREB binding lysine acetyltransferase; minus strand). Cytogenetic location: 16p13.3.
Variant type: single nucleotide variant.
Coding change: c.3925G>A on transcript NM_004380.3 (MANE Select); coding-DNA position 3925, G replaced by A.
Protein change: p.Asp1309Asn; replaces aspartic acid 1309 with asparagine.
Molecular consequence: missense variant.
Genome position (GRCh38, 1-based): chr16:3,744,951, C>T on the plus strand (G>A on the coding strand, the complement: CREBBP is on the minus strand). VCF-style: chr16-3744951-C-T. GRCh37 (hg19) VCF-style: chr16-3794952-C-T.
Other names: c.3811G>A, p.Asp1271Asn (NM_001079846.1); c.3925G>A (NM_004380.2); short protein forms D1271N, D1309N.
Identifiers: ClinVar variation 2190121 (VCV002190121.6), dbSNP rs758668926, ClinGen allele CA7869659.

ClinVar aggregate classification (germline): Conflicting classifications of pathogenicity. Review status: criteria provided, conflicting classifications (1 of 4 stars). 3 submissions from 3 submitters: Uncertain significance (1); Likely benign (2). Last evaluated 2025-05-13.

Conditions:
CREBBP-related disorder. Also called: CREBBP-related condition; CREBBP-related disorders.
Rubinstein-Taybi syndrome (RSTS). Identifiers: Orphanet 783, MedGen C0035934, MONDO:0019188.

Allele frequency attached by ClinVar (database versions not stated): TOPMed below 0.00001; ExAC 0.00001; gnomAD 0.00001; gnomAD exomes 0.00002.
gnomAD v4.1: 26 of 1,612,920 alleles (0.0016%); highest among the groups gnomAD compares: Non-Finnish European, 0.002%; no homozygotes.

Submissions (3):

PreventionGenetics, part of Exact Sciences
Classification: Uncertain significance for CREBBP-related condition. Last evaluated: 2025-05-13. Review status: criteria provided, single submitter. Criteria: ACMG Guidelines, 2015. Collection method: clinical testing. Allele origin: germline.
Comment: The CREBBP c.3925G>A variant is predicted to result in the amino acid substitution p.Asp1309Asn. To our knowledge, this variant has not been reported in the literature. This variant is reported in 0.00088% of alleles in individuals of European (Non-Finnish) descent in gnomAD. At this time, the clinical significance of this variant is uncertain due to the absence of conclusive functional and genetic evidence.

Blueprint Genetics
Classification: Likely benign. Last evaluated: 2022-07-17. Review status: criteria provided, single submitter. Criteria: ACMG Guidelines, 2015. Collection method: clinical testing. Allele origin: germline.

Labcorp Genetics (formerly Invitae), Labcorp
Classification: Likely benign for Rubinstein-Taybi syndrome. Last evaluated: 2022-04-16. Review status: criteria provided, single submitter. Criteria: Invitae Variant Classification Sherloc (09022015). Collection method: clinical testing. Allele origin: germline.